The following is an entry in ClinVar:

NM_007046.4(EMILIN1):c.2262C>T (p.His754=)

Gene: EMILIN1 (elastin microfibril interfacer 1; plus strand). Cytogenetic location: 2p23.3.
Variant type: single nucleotide variant.
Coding change: c.2262C>T on transcript NM_007046.4 (MANE Select); coding-DNA position 2262, C replaced by T.
Protein change: p.His754=; no amino-acid change (histidine 754 retained).
Molecular consequence: synonymous variant.
Genome position (GRCh38, 1-based): chr2:27,083,833, C>T. VCF-style: chr2-27083833-C-T. GRCh37 (hg19) VCF-style: chr2-27306701-C-T.
Identifiers: ClinVar variation 3388527 (VCV003388527.14).

ClinVar aggregate classification (germline): Likely benign (1 of 4 stars; one submission).

Submission:

CeGaT Center for Human Genetics Tuebingen
Classification: Likely benign. Last evaluated: 2026-08-01. Review status: criteria provided, single submitter. Criteria: CeGaT Center For Human Genetics Tuebingen Variant Classification Criteria Version 2. Collection method: clinical testing. Allele origin: germline. Affected: yes. Observed: 3 variant alleles.
Comment: EMILIN1: BP4, BP7